The following is an entry in ClinVar:

NM_001184880.2(PCDH19):c.1521del (p.Ile508fs)

Gene: PCDH19 (protocadherin 19; minus strand). Cytogenetic location: Xq22.1.
Variant type: Deletion.
Coding change: c.1521del on transcript NM_001184880.2 (MANE Select); coding-DNA position 1521, one base deleted (C; older notation c.1521delC).
Protein change: p.Ile508fs; shifts the reading frame from isoleucine 508.
Molecular consequence: frameshift variant.
Genome position (GRCh38, 1-based): chrX:100,407,077, G deleted on the plus strand (C on the coding strand, the reverse complement: PCDH19 is on the minus strand); the first of 2 consecutive G bases (chrX:100,407,077-100,407,078); deleting either gives the same sequence. VCF-style (leftmost placement, unchanged base first): chrX-100407076-TG-T. GRCh37 (hg19) VCF-style: chrX-99662074-TG-T.
Other names: c.1521del, p.Ile508fs (NM_001105243.2, NM_020766.3); short protein forms I508fs.
Identifiers: ClinVar variation 429878 (VCV000429878.2), dbSNP rs1131691646, ClinGen allele CA645369810.

ClinVar aggregate classification (germline): Pathogenic (1 of 4 stars; one submission).

Submission:

GeneDx
Classification: Pathogenic. Last evaluated: 2015-09-23. Review status: criteria provided, single submitter. Criteria: GeneDx Variant Classification (06012015). Collection method: clinical testing. Allele origin: germline. Affected: yes.
Comment: The c.1521delC deletion in the PCDH19 gene is predicted to cause loss of normal protein function either through protein truncation or nonsense-mediated mRNA decay. It was not observed in approximately 6,400 individuals of European and African American ancestry in the NHLBI Exome Sequencing Project, indicating it is not a common benign variant in these populations. Although the c.1521delC variant has not been previously reported to our knowledge, many other frameshift variants downstream of this position have been reported in the Human Gene Mutation Database in association with PCDH19-related disorders (Stenson et al., 2014). We interpret the c.1521delC deletion as a pathogenic variant.